The following is an entry in ClinVar:

NM_001146227.3(RPS20):c.*10C>T

Gene: RPS20 (ribosomal protein S20; minus strand). Cytogenetic location: 8q12.1.
Variant type: single nucleotide variant.
Coding change: c.*10C>T on transcript NM_001146227.3; 10 bases downstream of the stop codon, C replaced by T.
Molecular consequence: 3 prime UTR variant.
Genome position (GRCh38, 1-based): chr8:56,069,728, G>A on the plus strand (C>T on the coding strand, the complement: RPS20 is on the minus strand). VCF-style: chr8-56069728-G-A. GRCh37 (hg19) VCF-style: chr8-56982287-G-A.
Identifiers: ClinVar variation 5042380 (VCV005042380.1).
Genomic context (GRCh38, chr8:56,069,728, plus strand): 5'-ATACACTTCAGCTTTGGCTGTTTCTCCACTTATACCTGCTTGGTCACTTTTTTGGCGGAG[G>A]AGAATGCAGTTAAAAAGGACATGTCCCCGGGGATTCGAATACACTTCTCAAAGTGTACTG-3'

ClinVar aggregate classification (germline): Benign (1 of 4 stars; one submission).

Conditions:
Familial colorectal cancer type X. Identifiers: Orphanet 440437, MedGen C3896578, MONDO:0018604.

gnomAD v4.1: 3 of 1,551,310 alleles (0.00019%); highest among the groups gnomAD compares: East Asian, 0.0024%; no homozygotes.

Submission:

Myriad Genetics, Inc.
Classification: Benign for Familial colorectal cancer type X. Last evaluated: 2026-08-05. Review status: criteria provided, single submitter. Criteria: Myriad Autosomal Dominant, Autosomal Recessive and X-Linked Classification Criteria (2023). Collection method: clinical testing. Allele origin: unknown.
Comment: This variant is considered benign. This variant occurs in the non-coding 3' untranslated region of the gene, and is not expected to impact protein function.